The following is an entry in ClinVar:

NM_001522.3(GUCY2F):c.2741C>T (p.Thr914Ile)

Gene: GUCY2F (guanylate cyclase 2F, retinal; minus strand). Cytogenetic location: Xq22.3.
Variant type: single nucleotide variant.
Coding change: c.2741C>T on transcript NM_001522.3 (MANE Select); coding-DNA position 2741, C replaced by T.
Protein change: p.Thr914Ile; replaces threonine 914 with isoleucine.
Molecular consequence: missense variant.
Genome position (GRCh38, 1-based): chrX:109,391,951, G>A on the plus strand (C>T on the coding strand, the complement: GUCY2F is on the minus strand). VCF-style: chrX-109391951-G-A. GRCh37 (hg19) VCF-style: chrX-108635180-G-A.
Other names: short protein forms T914I.
Identifiers: ClinVar variation 2661177 (VCV002661177.24), dbSNP rs147384675, ClinGen allele CA10490149.

ClinVar aggregate classification (germline): Likely benign (1 of 4 stars; one submission).

Allele frequency attached by ClinVar (database versions not stated): ExAC 0.00001; gnomAD exomes 0.00002; TOPMed 0.00002; ESP Exome Variant Server 0.00009.
gnomAD v4.1: 28 of 1,206,919 alleles (0.0023%); highest among the groups gnomAD compares: Non-Finnish European, 0.0029%; no homozygotes.

Submission:

CeGaT Center for Human Genetics Tuebingen
Classification: Likely benign. Last evaluated: 2023-03-01. Review status: criteria provided, single submitter. Criteria: CeGaT Center For Human Genetics Tuebingen Variant Classification Criteria Version 2. Collection method: clinical testing. Allele origin: germline. Affected: yes. Observed: 1 variant allele.
Comment: GUCY2F: BS2